The following is an entry in ClinVar:

NM_005548.3(KARS1):c.874A>C (p.Met292Leu)

Gene: KARS1 (lysyl-tRNA synthetase 1; minus strand). Cytogenetic location: 16q23.1.
Variant type: single nucleotide variant.
Coding change: c.874A>C on transcript NM_005548.3 (MANE Select); coding-DNA position 874, A replaced by C.
Protein change: p.Met292Leu; replaces methionine 292 with leucine.
Molecular consequence: missense variant.
Genome position (GRCh38, 1-based): chr16:75,634,214, T>G on the plus strand (A>C on the coding strand, the complement: KARS1 is on the minus strand). VCF-style: chr16-75634214-T-G. GRCh37 (hg19) VCF-style: chr16-75668112-T-G.
Other names: c.958A>C, p.Met320Leu (NM_001130089.2); c.406A>C, p.Met136Leu (NM_001378148.1); short protein forms M136L, M292L, M320L.
Identifiers: ClinVar variation 3383688 (VCV003383688.1).
Genomic context (GRCh38, chr16:75,634,214, plus strand): 5'-GTGTACTATTACTGACTACCTTATGATAGAGTTCTGGAGCAATTCTCATATATAAGTTCA[T>G]GTCCAGCTCGTTGTGATAAGTGATGAAAGGCTTGGCCACGGCTCCCCCTGGGATGATGTT-3'
Protein context (NP_005539.1, residues 282-302): PFITYHNELD[Met292Leu]NLYMRIAPEL

ClinVar aggregate classification (germline): Uncertain significance (1 of 4 stars; one submission).

Submission:

GeneDx
Classification: Uncertain significance. Last evaluated: 2024-05-29. Review status: criteria provided, single submitter. Criteria: GeneDx Variant Classification Process June 2021. Collection method: clinical testing. Allele origin: germline. Affected: yes.
Comment: Not observed at significant frequency in large population cohorts (gnomAD); In silico analysis supports that this missense variant has a deleterious effect on protein structure/function; Has not been previously published as pathogenic or benign to our knowledge